The following is an entry in ClinVar:

ClinVar aggregate classification (germline): Pathogenic (1 of 4 stars; one submission).

Conditions:
Severe combined immunodeficiency due to DCLRE1C deficiency (RS-SCID). Also called: SCID, AUTOSOMAL RECESSIVE, T CELL-NEGATIVE, B CELL-NEGATIVE, NK CELL-POSITIVE, WITH SENSITIVITY TO IONIZING RADIATION. Identifiers: Orphanet 275, MedGen C1865371, MONDO:0011225, OMIM 602450.

Submission:

Labcorp Genetics (formerly Invitae), Labcorp
Classification: Pathogenic for Athabaskan severe combined immunodeficiency. Last evaluated: 2020-03-08. Review status: criteria provided, single submitter. Criteria: Invitae Variant Classification Sherloc (09022015). Collection method: clinical testing. Allele origin: germline.
Comment: This variant is not present in population databases (ExAC no frequency). For these reasons, this variant has been classified as Pathogenic. Loss-of-function variants in DCLRE1C are known to be pathogenic (PMID: 21664875, 26123418). This variant has not been reported in the literature in individuals with DCLRE1C-related conditions. This sequence change creates a premature translational stop signal (p.Pro171*) in the DCLRE1C gene. It is expected to result in an absent or disrupted protein product.

Literature cited by the submitters: PubMed 21664875; PubMed 26123418.

NM_001033855.3(DCLRE1C):c.511_512delinsTG (p.Pro171Ter)

Gene: DCLRE1C (DNA cross-link repair 1C; minus strand). Cytogenetic location: 10p13.
Variant type: Indel.
Coding change: c.511_512delinsTG on transcript NM_001033855.3 (MANE Select); coding-DNA positions 511 to 512, CC replaced by TG.
Protein change: p.Pro171Ter; replaces proline 171 with a stop codon.
Molecular consequence: nonsense. On other transcripts: non-coding transcript variant (4).
Genome position (GRCh38, 1-based): chr10:14,934,728-14,934,729, GG replaced by CA on the plus strand (CC replaced by TG on the coding strand, the reverse complement: DCLRE1C is on the minus strand). VCF-style: chr10-14934728-GG-CA. GRCh37 (hg19) VCF-style: chr10-14976727-GG-CA.
Other names: c.166_167delinsTG, p.Pro56Ter (NM_001289078.2, NM_001350966.2, NM_022487.4 and 1 more transcripts); c.151_152delinsTG, p.Pro51Ter (NM_001289079.2, NM_001350967.2, NM_001033857.3 and 2 more transcripts); c.511_512delinsTG, p.Pro171Ter (NM_001350965.2); short protein forms P171*, P51*, P56*.
Identifiers: ClinVar variation 1075444 (VCV001075444.7), dbSNP rs2130943393, ClinGen allele CA2499220201.